The following is an entry in ClinVar:

NM_001089.3(ABCA3):c.1302G>A (p.Trp434Ter)

Gene: ABCA3 (ATP binding cassette subfamily A member 3; minus strand). Cytogenetic location: 16p13.3.
Variant type: single nucleotide variant.
Coding change: c.1302G>A on transcript NM_001089.3 (MANE Select); coding-DNA position 1302, G replaced by A.
Protein change: p.Trp434Ter; replaces tryptophan 434 with a stop codon.
Molecular consequence: nonsense.
Genome position (GRCh38, 1-based): chr16:2,304,134, C>T on the plus strand (G>A on the coding strand, the complement: ABCA3 is on the minus strand). VCF-style: chr16-2304134-C-T. GRCh37 (hg19) VCF-style: chr16-2354135-C-T.
Other names: short protein forms W434*.
Identifiers: ClinVar variation 1769442 (VCV001769442.2), dbSNP rs2505650129, ClinGen allele CA394337781.

ClinVar aggregate classification (germline): Pathogenic (1 of 4 stars; one submission).

Conditions:
Hereditary pulmonary alveolar proteinosis. Also called: Pulmonary surfactant metabolism dysfunction. Identifiers: Orphanet 264675, MedGen C3711368, MONDO:0012580.

Submission:

Ambry Genetics
Classification: Pathogenic for Hereditary pulmonary alveolar proteinosis. Last evaluated: 2019-05-03. Review status: criteria provided, single submitter. Criteria: Ambry Variant Classification Scheme 2023. Collection method: clinical testing. Allele origin: germline.
Comment: The p.W434* pathogenic mutation (also known as c.1302G>A), located in coding exon 9 of the ABCA3 gene, results from a G to A substitution at nucleotide position 1302. This changes the amino acid from a tryptophan to a stop codon within coding exon 9. This alteration is expected to result in loss of function by premature protein truncation or nonsense-mediated mRNA decay. As such, this alteration is interpreted as a disease-causing mutation.